The following is an entry in ClinVar:

ClinVar aggregate classification (germline): Likely benign. Review status: criteria provided, single submitter (1 of 4 stars). 2 submissions from 2 submitters: Likely benign (1). 1 of the submissions does not count toward it. Last evaluated 2025-10-07.

Conditions:
KATNB1-related disorder. Also called: KATNB1-related condition.

Allele frequency attached by ClinVar (database versions not stated): ExAC 0.00003.
gnomAD v4.1: 120 of 1,609,452 alleles (0.0075%); highest among the groups gnomAD compares: Non-Finnish European, 0.0093%; no homozygotes.

Submissions (2):

Labcorp Genetics (formerly Invitae), Labcorp
Classification: Likely benign. Last evaluated: 2025-10-07. Review status: criteria provided, single submitter. Criteria: Invitae Variant Classification Sherloc (09022015). Collection method: clinical testing. Allele origin: germline.

PreventionGenetics, part of Exact Sciences
Classification: Likely benign for KATNB1-related condition. Last evaluated: 2019-08-07. Review status: no assertion criteria provided. Collection method: clinical testing. Allele origin: germline. Not counted in ClinVar's aggregate classification.
Comment: This variant is classified as likely benign based on ACMG/AMP sequence variant interpretation guidelines (Richards et al. 2015 PMID: 25741868, with internal and published modifications).

NM_005886.3(KATNB1):c.958C>A (p.Arg320=)

Gene: KATNB1 (katanin regulatory subunit B1; plus strand). Cytogenetic location: 16q21.
Variant type: single nucleotide variant.
Coding change: c.958C>A on transcript NM_005886.3 (MANE Select); coding-DNA position 958, C replaced by A.
Protein change: p.Arg320=; no amino-acid change (arginine 320 retained).
Molecular consequence: synonymous variant.
Genome position (GRCh38, 1-based): chr16:57,753,179, C>A. VCF-style: chr16-57753179-C-A. GRCh37 (hg19) VCF-style: chr16-57787091-C-A.
Identifiers: ClinVar variation 3034786 (VCV003034786.3), dbSNP rs782001354, ClinGen allele CA8080956.